The following is an entry in ClinVar:

NM_002180.3(IGHMBP2):c.2091G>A (p.Pro697=)

Gene: IGHMBP2 (immunoglobulin mu DNA binding protein 2; plus strand). Cytogenetic location: 11q13.3.
Variant type: single nucleotide variant.
Coding change: c.2091G>A on transcript NM_002180.3 (MANE Select); coding-DNA position 2091, G replaced by A.
Protein change: p.Pro697=; no amino-acid change (proline 697 retained).
Molecular consequence: synonymous variant.
Genome position (GRCh38, 1-based): chr11:68,936,571, G>A. VCF-style: chr11-68936571-G-A. GRCh37 (hg19) VCF-style: chr11-68704039-G-A.
Identifiers: ClinVar variation 289026 (VCV000289026.43), dbSNP rs113615425, ClinGen allele CA6153837.

ClinVar aggregate classification (germline): Benign/Likely benign. Review status: criteria provided, multiple submitters, no conflicts (2 of 4 stars). 8 submissions from 8 submitters: Benign (3); Likely benign (5). Last evaluated 2026-01-25.

Conditions:
IGHMBP2-related disorder. Also called: IGHMBP2-related condition; IGHMBP2-related disorders.
Inborn genetic diseases. Identifiers: MedGen C0950123, MeSH D030342.
Charcot-Marie-Tooth disease axonal type 2S. Also called: CHARCOT-MARIE-TOOTH DISEASE, AXONAL, AUTOSOMAL RECESSIVE, TYPE 2S; CHARCOT-MARIE-TOOTH NEUROPATHY, TYPE 2S. Identifiers: Orphanet 443073, MedGen C4015349, MONDO:0014511, OMIM 616155.
Autosomal recessive distal spinal muscular atrophy 1. Also called: SEVERE INFANTILE AXONAL NEUROPATHY WITH RESPIRATORY FAILURE; SPINAL MUSCULAR ATROPHY, DIAPHRAGMATIC; Spinal muscular atrophy with respiratory distress 1; NEURONOPATHY, DISTAL HEREDITARY MOTOR, HARDING TYPE VI; NEUROPATHY, DISTAL HEREDITARY MOTOR, AUTOSOMAL RECESSIVE 1; HMN VI. Identifiers: Orphanet 98920, MedGen C1858517, MONDO:0011436, OMIM 604320.

Allele frequency attached by ClinVar (database versions not stated): gnomAD exomes 0.00068; ExAC 0.00078; gnomAD 0.00238 and 0.00247; TOPMed 0.00246; ESP Exome Variant Server 0.00285; 1000 Genomes Project 0.00359; 1000 Genomes Project 30x 0.00406.
gnomAD v4.1: 697 of 1,611,774 alleles (0.043%); highest among the groups gnomAD compares: African/African-American, 0.82%; 3 homozygotes.

Submissions (8):

Labcorp Genetics (formerly Invitae), Labcorp
Classification: Benign for Autosomal recessive distal spinal muscular atrophy 1; Charcot-Marie-Tooth disease axonal type 2S. Last evaluated: 2026-01-25. Review status: criteria provided, single submitter. Criteria: Invitae Variant Classification Sherloc (09022015). Collection method: clinical testing. Allele origin: germline.

PreventionGenetics, part of Exact Sciences
Classification: Benign for IGHMBP2-related condition. Last evaluated: 2025-03-01. Review status: criteria provided, single submitter. Criteria: ACMG Guidelines, 2015. Collection method: clinical testing. Allele origin: germline.
Comment: This variant is classified as benign based on ACMG/AMP sequence variant interpretation guidelines (Richards et al. 2015 PMID: 25741868, with internal and published modifications).

CeGaT Center for Human Genetics Tuebingen
Classification: Likely benign. Last evaluated: 2024-08-01. Review status: criteria provided, single submitter. Criteria: CeGaT Center For Human Genetics Tuebingen Variant Classification Criteria Version 2. Collection method: clinical testing. Allele origin: germline. Affected: yes. Observed: 1 variant allele.
Comment: IGHMBP2: BP4, BP7

GeneDx
Classification: Likely benign. Last evaluated: 2020-08-14. Review status: criteria provided, single submitter. Criteria: GeneDx Variant Classification Process June 2021. Collection method: clinical testing. Allele origin: germline. Affected: yes.

Ambry Genetics
Classification: Likely benign for Inborn genetic diseases. Last evaluated: 2019-07-11. Review status: criteria provided, single submitter. Criteria: Ambry Variant Classification Scheme 2023. Collection method: clinical testing. Allele origin: germline.

Illumina Laboratory Services, Illumina
Classification: Likely benign for Autosomal recessive distal spinal muscular atrophy 1. Last evaluated: 2018-01-13. Review status: criteria provided, single submitter. Criteria: ICSL Variant Classification Criteria 13 December 2019. Collection method: clinical testing. Allele origin: germline.
Comment: This variant was observed in the ICSL laboratory as part of a predisposition screen in an ostensibly healthy population. It had not been previously curated by ICSL or reported in the Human Gene Mutation Database (HGMD: prior to June 1st, 2018), and was therefore a candidate for classification through an automated scoring system. Utilizing variant allele frequency, disease prevalence and penetrance estimates, and inheritance mode, an automated score was calculated to assess if this variant is too frequent to cause the disease. Based on the score and internal cut-off values, a variant classified as likely benign is not then subjected to further curation. The score for this variant resulted in a classification of likely benign for this disease.

Eurofins Ntd Llc (ga)
Classification: Benign. Last evaluated: 2016-07-21. Review status: criteria provided, single submitter. Criteria: EGL Classification Definitions 2015. Collection method: clinical testing. Allele origin: germline. Observed: 2 variant alleles, 2 heterozygotes.

Breakthrough Genomics
Classification: Likely benign. Review status: criteria provided, single submitter. Criteria: ACMG Guidelines, 2015. Collection method: not provided. Allele origin: germline. Inheritance: Autosomal recessive inheritance. Affected: yes.